The following is an entry in ClinVar:

ClinVar aggregate classification (germline): Uncertain significance (1 of 4 stars; one submission).

Conditions:
Fabry disease. Also called: ALPHA-GALACTOSIDASE A DEFICIENCY; ANDERSON-FABRY DISEASE; CERAMIDE TRIHEXOSIDASE DEFICIENCY; GLA DEFICIENCY; HEREDITARY DYSTOPIC LIPIDOSIS; Angiokeratoma corporis diffusum. Identifiers: Orphanet 324, MedGen C0002986, MONDO:0010526, OMIM 301500, HP:0001071. Disease mechanism: Fabry disease is due to inactivating mutations in the X-linked GLA gene resulting in deficiency of the enzyme Alpha Galactosidase-A., loss of function.

Submission:

Genomenon, Inc
Classification: Uncertain significance for Fabry disease. Last evaluated: 2026-09-08. Review status: criteria provided, single submitter. Criteria: Genomenon Sequence Variant Interpretation Standards - Updated. Collection method: curation. Allele origin: germline. Affected: yes.
Comment: GLA p.Leu429IlefsTer6 (c.1281_1282insCTTA) is a frameshift variant that results in the production of an extended protein product. This variant has been observed in at least one proband with clinical features consistent with Fabry disease (PMID:34927718). It is absent or not present at a significant frequency in gnomAD. In conclusion, we classify GLA p.Leu429IlefsTer6 (c.1281_1282insCTTA) as a variant of uncertain significance.

Literature cited by the submitters: PubMed 34927718.

NM_000169.3(GLA):c.1281_1282insCTTA (p.Leu429fs)

Genes: GLA (galactosidase alpha; minus strand), RPL36A-HNRNPH2 (RPL36A-HNRNPH2 readthrough; plus strand). Cytogenetic location: Xq22.1.
Variant type: Insertion.
Coding change: c.1281_1282insCTTA on transcript NM_000169.3 (MANE Select); coding-DNA positions 1281 to 1282, CTTA inserted.
Protein change: p.Leu429fs; shifts the reading frame from leucine 429.
Molecular consequence: frameshift variant. On other transcripts: non-coding transcript variant (3), intron variant (2).
Genome position: GRCh38 VCF-style: chrX-101397817-A-ATAAG. GRCh37 (hg19) VCF-style: chrX-100652805-A-ATAAG.
Other names: c.1404_1405insCTTA, p.Leu470fs (NM_001406747.1); c.300+2360_300+2361insTAAG (NM_001199973.2); c.177+5995_177+5996insTAAG (NM_001199974.2); short protein forms L429fs, L470fs.
Identifiers: ClinVar variation 4087088 (VCV004087088.2).
Genomic context (GRCh38, chrX:101,397,817, plus strand): 5'-GAATGGAGAAAAAGGTGGACAGGAAGTAGTAGTTGGCAATAAAATAAACATTTTAAAGTA[A>ATAAG]GTCTTTTAATGACATCTGCATTGTATTTTCTAGCTGAAGCAAAACAGTGCCTGTGGGATT-3'